The following is an entry in ClinVar:

ClinVar aggregate classification (germline): Uncertain significance (1 of 4 stars; one submission).

Submission:

Labcorp Genetics (formerly Invitae), Labcorp
Classification: Uncertain significance. Last evaluated: 2024-03-24. Review status: criteria provided, single submitter. Criteria: Invitae Variant Classification Sherloc (09022015). Collection method: clinical testing. Allele origin: germline.
Comment: This sequence change replaces isoleucine, which is neutral and non-polar, with threonine, which is neutral and polar, at codon 345 of the GPR45 protein (p.Ile345Thr). This variant is not present in population databases (gnomAD no frequency). This variant has not been reported in the literature in individuals affected with GPR45-related conditions. Algorithms developed to predict the effect of missense changes on protein structure and function output the following: SIFT: "Not Available"; PolyPhen-2: "Benign"; Align-GVGD: "Not Available". The threonine amino acid residue is found in multiple mammalian species, which suggests that this missense change does not adversely affect protein function. In summary, the available evidence is currently insufficient to determine the role of this variant in disease. Therefore, it has been classified as a Variant of Uncertain Significance.

NM_007227.3(GPR45):c.1034T>C (p.Ile345Thr)

Gene: GPR45 (G protein-coupled receptor 45; plus strand). Cytogenetic location: 2q12.1.
Variant type: single nucleotide variant.
Coding change: c.1034T>C on transcript NM_007227.3 (MANE Select); coding-DNA position 1034, T replaced by C.
Protein change: p.Ile345Thr; replaces isoleucine 345 with threonine.
Molecular consequence: missense variant.
Genome position (GRCh38, 1-based): chr2:105,242,892, T>C. VCF-style: chr2-105242892-T-C. GRCh37 (hg19) VCF-style: chr2-105859349-T-C.
Other names: short protein forms I345T.
Identifiers: ClinVar variation 3615140 (VCV003615140.2).